The following is an entry in ClinVar:

NM_003079.5(SMARCE1):c.1009A>T (p.Asn337Tyr)

Gene: SMARCE1 (SWI/SNF related BAF chromatin remodeling complex subunit E1; minus strand). Cytogenetic location: 17q21.2.
Variant type: single nucleotide variant.
Coding change: c.1009A>T on transcript NM_003079.5 (MANE Select); coding-DNA position 1009, A replaced by T.
Protein change: p.Asn337Tyr; replaces asparagine 337 with tyrosine.
Molecular consequence: missense variant.
Genome position (GRCh38, 1-based): chr17:40,630,732, T>A on the plus strand (A>T on the coding strand, the complement: SMARCE1 is on the minus strand). VCF-style: chr17-40630732-T-A. GRCh37 (hg19) VCF-style: chr17-38786984-T-A.
Other names: short protein forms N337Y.
Identifiers: ClinVar variation 857521 (VCV000857521.13), dbSNP rs2037085057, ClinGen allele CA399363145.

ClinVar aggregate classification (germline): Conflicting classifications of pathogenicity. Review status: criteria provided, conflicting classifications (1 of 4 stars). 4 submissions from 4 submitters: Uncertain significance (3); Likely benign (1). Last evaluated 2025-01-11.

Conditions:
Hereditary cancer-predisposing syndrome. Also called: Tumor predisposition; Hereditary neoplastic syndrome; Neoplastic Syndromes, Hereditary; Hereditary Cancer Syndrome. Identifiers: Orphanet 140162, MedGen C0027672, MeSH D009386, MONDO:0015356.
Coffin-Siris syndrome 5 (CSS5). Identifiers: Orphanet 1465, MedGen C4310788, MONDO:0014838, OMIM 616938.
Familial meningioma. Also called: Meningioma, familial, susceptibility to. Identifiers: Orphanet 263662, MedGen C3551915, MONDO:0011789, OMIM 607174.

Allele frequency attached by ClinVar (database versions not stated): gnomAD exomes below 0.00001.
gnomAD v4.1: 4 of 1,614,146 alleles (0.00025%); highest among the groups gnomAD compares: Non-Finnish European, 0.00034%; no homozygotes.

Submissions (4):

Labcorp Genetics (formerly Invitae), Labcorp
Classification: Uncertain significance for Familial meningioma. Last evaluated: 2025-01-11. Review status: criteria provided, single submitter. Criteria: Invitae Variant Classification Sherloc (09022015). Collection method: clinical testing. Allele origin: germline.
Comment: This sequence change replaces asparagine, which is neutral and polar, with tyrosine, which is neutral and polar, at codon 337 of the SMARCE1 protein (p.Asn337Tyr). This variant is not present in population databases (gnomAD no frequency). This missense change has been observed in individual(s) with clinical features of SMARCE1-related conditions (PMID: 37500730). ClinVar contains an entry for this variant (Variation ID: 857521). Invitae Evidence Modeling of protein sequence and biophysical properties (such as structural, functional, and spatial information, amino acid conservation, physicochemical variation, residue mobility, and thermodynamic stability) indicates that this missense variant is not expected to disrupt SMARCE1 protein function with a negative predictive value of 80%. In summary, the available evidence is currently insufficient to determine the role of this variant in disease. Therefore, it has been classified as a Variant of Uncertain Significance.

GeneDx
Classification: Uncertain significance. Last evaluated: 2024-08-25. Review status: criteria provided, single submitter. Criteria: GeneDx Variant Classification Process June 2021. Collection method: clinical testing. Allele origin: germline. Affected: yes.
Comment: Not observed at significant frequency in large population cohorts (gnomAD); In silico analysis indicates that this missense variant does not alter protein structure/function; Observed in an individual with a neurodevelopmental disorder (NDD) in published literature (PMID: 37500730); This variant is associated with the following publications: (PMID: 19245665, 37500730)

Ambry Genetics
Classification: Likely benign for Hereditary cancer-predisposing syndrome. Last evaluated: 2024-07-11. Review status: criteria provided, single submitter. Criteria: Ambry Variant Classification Scheme 2023. Collection method: clinical testing. Allele origin: germline.

Baylor Genetics
Classification: Uncertain significance for Coffin-Siris syndrome 5. Last evaluated: 2019-09-06. Review status: criteria provided, single submitter. Criteria: ACMG Guidelines, 2015. Collection method: clinical testing. Allele origin: unknown. Affected: yes.
Comment: This variant was determined to be of uncertain significance according to ACMG Guidelines, 2015 [PMID:25741868].

Literature cited by the submitters: PubMed 37500730 (cited by Labcorp Genetics (formerly Invitae), Labcorp).